The following is an entry in ClinVar:

NM_000376.3(VDR):c.1088T>C (p.Leu363Pro)

Gene: VDR (vitamin D receptor; minus strand). Cytogenetic location: 12q13.11.
Variant type: single nucleotide variant.
Coding change: c.1088T>C on transcript NM_000376.3 (MANE Select); coding-DNA position 1088, T replaced by C.
Protein change: p.Leu363Pro; replaces leucine 363 with proline.
Molecular consequence: missense variant.
Genome position (GRCh38, 1-based): chr12:47,844,942, A>G on the plus strand (T>C on the coding strand, the complement: VDR is on the minus strand). VCF-style: chr12-47844942-A-G. GRCh37 (hg19) VCF-style: chr12-48238725-A-G.
Other names: c.1088T>C, p.Leu363Pro (NM_001017535.2, NM_001364085.2, NM_001374661.1 and 1 more transcripts); c.1238T>C, p.Leu413Pro (NM_001017536.2); short protein forms L363P, L413P.
Identifiers: ClinVar variation 2429695 (VCV002429695.1), dbSNP rs2539965361, ClinGen allele CA384514474.

ClinVar aggregate classification (germline): Uncertain significance (1 of 4 stars; one submission).

Submission:

GeneDx
Classification: Uncertain significance. Last evaluated: 2022-08-06. Review status: criteria provided, single submitter. Criteria: GeneDx Variant Classification Process June 2021. Collection method: clinical testing. Allele origin: germline. Affected: yes.
Comment: Not observed at significant frequency in large population cohorts (gnomAD); In silico analysis supports that this missense variant has a deleterious effect on protein structure/function; Has not been previously published as pathogenic or benign to our knowledge